The following is an entry in ClinVar:

ClinVar aggregate classification (germline): Uncertain significance (1 of 4 stars; one submission).

Conditions:
Familial cold autoinflammatory syndrome 2 (FCAS2). Identifiers: Orphanet 247868, MedGen C2673198, MONDO:0012724, OMIM 611762.

Allele frequency attached by ClinVar (database versions not stated): gnomAD 0.00003; gnomAD exomes 0.00003; ExAC 0.00004.
gnomAD v4.1: 44 of 1,614,092 alleles (0.0027%); highest among the groups gnomAD compares: Non-Finnish European, 0.0031%; no homozygotes.

Submission:

Labcorp Genetics (formerly Invitae), Labcorp
Classification: Uncertain significance for Familial cold autoinflammatory syndrome 2. Last evaluated: 2025-08-04. Review status: criteria provided, single submitter. Criteria: Invitae Variant Classification Sherloc (09022015). Collection method: clinical testing. Allele origin: germline.
Comment: This sequence change replaces glutamic acid, which is acidic and polar, with lysine, which is basic and polar, at codon 21 of the NLRP12 protein (p.Glu21Lys). This variant is present in population databases (rs767372759, gnomAD 0.005%). This variant has not been reported in the literature in individuals affected with NLRP12-related conditions. ClinVar contains an entry for this variant (Variation ID: 3017840). Invitae Evidence Modeling of protein sequence and biophysical properties (such as structural, functional, and spatial information, amino acid conservation, physicochemical variation, residue mobility, and thermodynamic stability) indicates that this missense variant is not expected to disrupt NLRP12 protein function with a negative predictive value of 80%. In summary, the available evidence is currently insufficient to determine the role of this variant in disease. Therefore, it has been classified as a Variant of Uncertain Significance.

NM_144687.4(NLRP12):c.61G>A (p.Glu21Lys)

Gene: NLRP12 (NLR family pyrin domain containing 12; minus strand). Cytogenetic location: 19q13.42.
Variant type: single nucleotide variant.
Coding change: c.61G>A on transcript NM_144687.4 (MANE Select); coding-DNA position 61, G replaced by A.
Protein change: p.Glu21Lys; replaces glutamic acid 21 with lysine.
Molecular consequence: missense variant.
Genome position (GRCh38, 1-based): chr19:53,824,114, C>T on the plus strand (G>A on the coding strand, the complement: NLRP12 is on the minus strand). VCF-style: chr19-53824114-C-T. GRCh37 (hg19) VCF-style: chr19-54327368-C-T.
Other names: c.61G>A, p.Glu21Lys (NM_001277126.2, NM_001277129.1); short protein forms E21K.
Identifiers: ClinVar variation 3017840 (VCV003017840.3), dbSNP rs767372759, ClinGen allele CA9639845.